The following is an entry in ClinVar:

ClinVar aggregate classification (germline): Conflicting classifications of pathogenicity. Review status: criteria provided, conflicting classifications (1 of 4 stars). 3 submissions from 3 submitters: Likely pathogenic (2); Uncertain significance (1). Last evaluated 2025-09-08.

Conditions:
TYRP1-related disorder. Also called: TYRP1-related condition.
Oculocutaneous albinism type 3 (OCA3). Also called: ALBINISM III; Albinism, oculocutaneous, type III; Rufous OCA; Rufous albinism; RUFOUS OCULOCUTANEOUS ALBINISM; XANTHISM. Identifiers: Orphanet 79433, MedGen C0342683, MONDO:0008747, OMIM 203290.

Allele frequency attached by ClinVar (database versions not stated): gnomAD 0.00001; gnomAD exomes 0.00002; TOPMed 0.00003; ExAC 0.00006.

Submissions (3):

Clinical Genetics Laboratory, Skane University Hospital Lund
Classification: Likely pathogenic for Oculocutaneous albinism type 3. Last evaluated: 2025-09-08. Review status: criteria provided, single submitter. Criteria: ACMG Guidelines, 2015. Collection method: clinical testing. Allele origin: germline. Inheritance: Autosomal recessive inheritance. Affected: yes.
Comment: ACMG criteria applied: PM1, PM2, PM3, PP3.

Blueprint Genetics
Classification: Likely pathogenic for TYRP1-related disorders. Last evaluated: 2024-09-08. Review status: criteria provided, single submitter. Criteria: ACMG Guidelines, 2015. Collection method: clinical testing. Allele origin: germline. Affected: yes. Observed: 5 variant alleles.

Labcorp Genetics (formerly Invitae), Labcorp
Classification: Uncertain significance. Last evaluated: 2022-07-25. Review status: criteria provided, single submitter. Criteria: Invitae Variant Classification Sherloc (09022015). Collection method: clinical testing. Allele origin: germline.
Comment: This sequence change replaces histidine, which is basic and polar, with tyrosine, which is neutral and polar, at codon 404 of the TYRP1 protein (p.His404Tyr). This variant is present in population databases (rs754849177, gnomAD 0.009%). This missense change has been observed in individual(s) with clinical feature of ocular albinism (Invitae). Algorithms developed to predict the effect of missense changes on protein structure and function are either unavailable or do not agree on the potential impact of this missense change (SIFT: "Deleterious"; PolyPhen-2: "Probably Damaging"; Align-GVGD: "Class C15"). In summary, the available evidence is currently insufficient to determine the role of this variant in disease. Therefore, it has been classified as a Variant of Uncertain Significance.

NM_000550.3(TYRP1):c.1210C>T (p.His404Tyr)

Genes: LURAP1L-AS1 (LURAP1L antisense RNA 1; minus strand), TYRP1 (tyrosinase related protein 1; plus strand). Cytogenetic location: 9p23.
Variant type: single nucleotide variant.
Coding change: c.1210C>T on transcript NM_000550.3 (MANE Select); coding-DNA position 1210, C replaced by T.
Protein change: p.His404Tyr; replaces histidine 404 with tyrosine.
Molecular consequence: missense variant.
Genome position (GRCh38, 1-based): chr9:12,704,654, C>T. VCF-style: chr9-12704654-C-T. GRCh37 (hg19) VCF-style: chr9-12704654-C-T.
Other names: short protein forms H404Y.
Identifiers: ClinVar variation 1923543 (VCV001923543.5), dbSNP rs754849177, ClinGen allele CA4985474.